The following is an entry in ClinVar:

NM_015450.3(POT1):c.658A>T (p.Ile220Phe)

Gene: POT1 (protection of telomeres 1; minus strand). Cytogenetic location: 7q31.33.
Variant type: single nucleotide variant.
Coding change: c.658A>T on transcript NM_015450.3 (MANE Select); coding-DNA position 658, A replaced by T.
Protein change: p.Ile220Phe; replaces isoleucine 220 with phenylalanine.
Molecular consequence: missense variant. On other transcripts: non-coding transcript variant (3).
Genome position (GRCh38, 1-based): chr7:124,859,001, T>A on the plus strand (A>T on the coding strand, the complement: POT1 is on the minus strand). VCF-style: chr7-124859001-T-A. GRCh37 (hg19) VCF-style: chr7-124499055-T-A.
Other names: c.265A>T, p.Ile89Phe (NM_001042594.2); short protein forms I220F, I89F.
Identifiers: ClinVar variation 1505261 (VCV001505261.8), dbSNP rs2116525545, ClinGen allele CA369056190.
Genomic context (GRCh38, chr7:124,859,001, plus strand): 5'-TCCTACTATACATCACCTTCAGAGATCTTGCCACATGAACATGGTTATCGTAGACTAAAA[T>A]GTCTATTGTCAGATTTTGTAGCCGATGGATGTGACTTAAATCACCTTCAAGAACAAGGTC-3'
Protein context (NP_056265.2, residues 210-230): IHRLQNLTID[Ile220Phe]LVYDNHVHVA

ClinVar aggregate classification (germline): Uncertain significance (1 of 4 stars; one submission).

Conditions:
Tumor predisposition syndrome 3 (TPDS3). Also called: Melanoma, cutaneous malignant, susceptibility to, 10; LONG TELOMERE SYNDROME, POT1-RELATED; POT1 Tumor Predisposition; Glioma susceptibility 9. Identifiers: Orphanet 618, MedGen C4014476, MONDO:0014368, OMIM 615848.

Submission:

Labcorp Genetics (formerly Invitae), Labcorp
Classification: Uncertain significance for Tumor predisposition syndrome 3. Last evaluated: 2021-07-14. Review status: criteria provided, single submitter. Criteria: Invitae Variant Classification Sherloc (09022015). Collection method: clinical testing. Allele origin: germline.
Comment: This variant has not been reported in the literature in individuals affected with POT1-related conditions. This variant is not present in population databases (ExAC no frequency). This sequence change replaces isoleucine with phenylalanine at codon 220 of the POT1 protein (p.Ile220Phe). The isoleucine residue is highly conserved and there is a small physicochemical difference between isoleucine and phenylalanine. Algorithms developed to predict the effect of missense changes on protein structure and function are either unavailable or do not agree on the potential impact of this missense change (SIFT: "Deleterious"; PolyPhen-2: "Possibly Damaging"; Align-GVGD: "Class C0"). In summary, the available evidence is currently insufficient to determine the role of this variant in disease. Therefore, it has been classified as a Variant of Uncertain Significance.